The following is an entry in ClinVar:

ClinVar aggregate classification (germline): Pathogenic/Likely pathogenic. Review status: criteria provided, multiple submitters, no conflicts (2 of 4 stars). 3 submissions from 3 submitters: Pathogenic (2); Likely pathogenic (1). Last evaluated 2024-08-02.

Conditions:
Pyruvate carboxylase deficiency. Also called: LEIGH NECROTIZING ENCEPHALOPATHY DUE TO PYRUVATE CARBOXYLASE DEFICIENCY; LEIGH SYNDROME DUE TO PYRUVATE CARBOXYLASE DEFICIENCY; PC DEFICIENCY; ATAXIA WITH LACTIC ACIDOSIS II; Pyruvate Carboxylase Deficiency Disease. Identifiers: Orphanet 3008, MedGen C0034341, MONDO:0009949, OMIM 266150.

Submissions (3):

Myriad Genetics, Inc.
Classification: Pathogenic for Pyruvate carboxylase deficiency. Last evaluated: 2024-08-02. Review status: criteria provided, single submitter. Criteria: Myriad Autosomal Dominant, Autosomal Recessive and X-Linked Classification Criteria (2023). Collection method: clinical testing. Allele origin: unknown.
Comment: NM_000920.3(PC):c.3089delT(L1030Rfs*4) is expected to be pathogenic in the context of pyruvate carboxylase deficiency. This variant is predicted to lead to an abnormal or absent protein product due to the creation of a premature termination codon in PC, a gene where loss-of-function variants are known to be pathogenic. Please note: this variant was assessed in the context of healthy population screening.

Baylor Genetics
Classification: Likely pathogenic for Pyruvate carboxylase deficiency. Last evaluated: 2023-03-15. Review status: criteria provided, single submitter. Criteria: ACMG Guidelines, 2015. Collection method: clinical testing. Allele origin: unknown.

Labcorp Genetics (formerly Invitae), Labcorp
Classification: Pathogenic for Pyruvate carboxylase deficiency. Last evaluated: 2023-01-15. Review status: criteria provided, single submitter. Criteria: Invitae Variant Classification Sherloc (09022015). Collection method: clinical testing. Allele origin: germline.
Comment: For these reasons, this variant has been classified as Pathogenic. This variant has not been reported in the literature in individuals affected with PC-related conditions. This variant is not present in population databases (gnomAD no frequency). This sequence change creates a premature translational stop signal (p.Leu1030Argfs*4) in the PC gene. It is expected to result in an absent or disrupted protein product. Loss-of-function variants in PC are known to be pathogenic (PMID: 12112657, 19306334).

Literature cited by the submitters: PubMed 12112657 (cited by Labcorp Genetics (formerly Invitae), Labcorp); PubMed 19306334 (cited by Labcorp Genetics (formerly Invitae), Labcorp).

NM_001040716.2(PC):c.3089del (p.Leu1030fs)

Gene: PC (pyruvate carboxylase; minus strand). Cytogenetic location: 11q13.2.
Variant type: Deletion.
Coding change: c.3089del on transcript NM_001040716.2 (MANE Select); coding-DNA position 3089, one base deleted (T; older notation c.3089delT).
Protein change: p.Leu1030fs; shifts the reading frame from leucine 1030.
Molecular consequence: frameshift variant.
Genome position (GRCh38, 1-based): chr11:66,849,669, A deleted on the plus strand (T on the coding strand, the reverse complement: PC is on the minus strand). VCF-style (leftmost placement, unchanged base first): chr11-66849668-CA-C. GRCh37 (hg19) VCF-style: chr11-66617139-CA-C.
Other names: c.3089del, p.Leu1030fs (NM_000920.4, NM_022172.3); short protein forms L1030fs.
Identifiers: ClinVar variation 2677482 (VCV002677482.5), dbSNP rs2495401265, ClinGen allele CA2695198915.